The following is an entry in ClinVar:

NM_018896.5(CACNA1G):c.5799C>G (p.Asp1933Glu)

Gene: CACNA1G (calcium voltage-gated channel subunit alpha1 G; plus strand). Cytogenetic location: 17q21.33.
Variant type: single nucleotide variant.
Coding change: c.5799C>G on transcript NM_018896.5 (MANE Select); coding-DNA position 5799, C replaced by G.
Protein change: p.Asp1933Glu; replaces aspartic acid 1933 with glutamic acid.
Molecular consequence: missense variant. On other transcripts: intron variant (20).
Genome position (GRCh38, 1-based): chr17:50,619,700, C>G. VCF-style: chr17-50619700-C-G. GRCh37 (hg19) VCF-style: chr17-48697061-C-G.
Other names: c.5658+692C>G (NM_198388.3); c.5610+692C>G (NM_001256332.2); c.5745C>G, p.Asp1915Glu (NM_001256324.2); c.5664C>G, p.Asp1888Glu (NM_001256326.2); c.5766C>G, p.Asp1922Glu (NM_198377.3, NM_198380.3); c.5697C>G, p.Asp1899Glu (NM_198379.3, NM_198396.3); c.5799C>G, p.Asp1933Glu (NM_198385.3); c.5802+692C>G (NM_001256325.2); and 12 more; short protein forms D1888E, D1899E, D1915E, D1922E, D1933E.
Identifiers: ClinVar variation 4681589 (VCV004681589.5).
Genomic context (GRCh38, chr17:50,619,700, plus strand): 5'-GCTCCCCTGCCTCTCCGGCTCCCCTTACGGGCTGGCTCCCCAGGACAGGCAGCTGTTTGA[C>G]ACCATATCCCTGCTGATCCAGGGCTCCCTGGAGTGGGAGCTGAAGCTGATGGACGAGCTG-3'
Protein context (NP_061496.2, residues 1923-1943): LEHPTDRQLF[Asp1933Glu]TISLLIQGSL

ClinVar aggregate classification (germline): Uncertain significance (1 of 4 stars; one submission).

Submission:

CeGaT Center for Human Genetics Tuebingen
Classification: Uncertain significance. Last evaluated: 2025-12-01. Review status: criteria provided, single submitter. Criteria: CeGaT Center For Human Genetics Tuebingen Variant Classification Criteria Version 2. Collection method: clinical testing. Allele origin: germline. Affected: yes. Observed: 1 variant allele.
Comment: CACNA1G: PM2